The following is an entry in ClinVar:

NM_001379451.1(BCORL1):c.164G>A (p.Ser55Asn)

Gene: BCORL1 (BCL6 corepressor like 1; plus strand). Cytogenetic location: Xq26.1.
Variant type: single nucleotide variant.
Coding change: c.164G>A on transcript NM_001379451.1 (MANE Select); coding-DNA position 164, G replaced by A.
Protein change: p.Ser55Asn; replaces serine 55 with asparagine.
Molecular consequence: missense variant.
Genome position (GRCh38, 1-based): chrX:130,012,655, G>A. VCF-style: chrX-130012655-G-A. GRCh37 (hg19) VCF-style: chrX-129146631-G-A.
Other names: c.164G>A, p.Ser55Asn (NM_001184772.3, NM_001379450.1, NM_021946.5); c.164G>A (NM_021946.4); short protein forms S55N.
Identifiers: ClinVar variation 978174 (VCV000978174.3), dbSNP rs1179687241, ClinGen allele CA414566436.

ClinVar aggregate classification (germline): Uncertain significance. Review status: criteria provided, multiple submitters, no conflicts (2 of 4 stars). 2 submissions from 2 submitters: Uncertain significance (2). Last evaluated 2023-04-14.

Conditions:
Shukla-Vernon syndrome. Identifiers: MedGen C5193146, MONDO:0026727, OMIM 301029.

Allele frequency attached by ClinVar (database versions not stated): TOPMed below 0.00001; gnomAD 0.00001.
gnomAD v4.1: 2 of 1,208,957 alleles (0.00017%); highest among the groups gnomAD compares: African/African-American, 0.0017%; no homozygotes.

Submissions (2):

GeneDx
Classification: Uncertain significance. Last evaluated: 2023-04-14. Review status: criteria provided, single submitter. Criteria: GeneDx Variant Classification Process June 2021. Collection method: clinical testing. Allele origin: germline. Affected: yes.
Comment: Not observed at significant frequency in large population cohorts (gnomAD); In silico analysis supports that this missense variant does not alter protein structure/function; Has not been previously published as pathogenic or benign to our knowledge

New York Genome Center
Classification: Uncertain significance for Shukla-Vernon syndrome. Last evaluated: 2020-01-09. Review status: criteria provided, single submitter. Criteria: NYGC Assertion Criteria 2020. Collection method: clinical testing. Allele origin: inherited. Observed: 1 hemizygote. Study: CSER-NYCKidSeq.